The following is an entry in ClinVar:

ClinVar aggregate classification (germline): Uncertain significance (1 of 4 stars; one submission).

Allele frequency attached by ClinVar (database versions not stated): ExAC 0.00001; gnomAD exomes 0.00001; TOPMed 0.00001.
gnomAD v4.1: 3 of 1,612,216 alleles (0.00019%); highest among the groups gnomAD compares: Admixed American, 0.0033%; no homozygotes.

Submission:

Labcorp Genetics (formerly Invitae), Labcorp
Classification: Uncertain significance. Last evaluated: 2023-03-02. Review status: criteria provided, single submitter. Criteria: Invitae Variant Classification Sherloc (09022015). Collection method: clinical testing. Allele origin: germline.
Comment: In summary, the available evidence is currently insufficient to determine the role of this variant in disease. Therefore, it has been classified as a Variant of Uncertain Significance. Advanced modeling of protein sequence and biophysical properties (such as structural, functional, and spatial information, amino acid conservation, physicochemical variation, residue mobility, and thermodynamic stability) performed at Invitae indicates that this missense variant is not expected to disrupt JAK2 protein function. This variant has not been reported in the literature in individuals affected with JAK2-related conditions. This variant is present in population databases (rs760406225, gnomAD 0.006%). This sequence change replaces valine, which is neutral and non-polar, with alanine, which is neutral and non-polar, at codon 101 of the JAK2 protein (p.Val101Ala).

NM_004972.4(JAK2):c.302T>C (p.Val101Ala)

Genes: INSL6 (insulin like 6; minus strand), JAK2 (Janus kinase 2; plus strand). Cytogenetic location: 9p24.1.
Variant type: single nucleotide variant.
Coding change: c.302T>C on transcript NM_004972.4 (MANE Select); coding-DNA position 302, T replaced by C.
Protein change: p.Val101Ala; replaces valine 101 with alanine.
Molecular consequence: missense variant. On other transcripts: 5 prime UTR variant (2), non-coding transcript variant (2).
Genome position (GRCh38, 1-based): chr9:5,029,858, T>C. VCF-style: chr9-5029858-T-C. GRCh37 (hg19) VCF-style: chr9-5029858-T-C.
Other names: c.302T>C, p.Val101Ala (NM_001322195.2, NM_001322196.2, NM_001322194.2); c.-819T>C (NM_001322198.2, NM_001322199.2); short protein forms V101A.
Identifiers: ClinVar variation 3008416 (VCV003008416.3), dbSNP rs760406225, ClinGen allele CA4971530.